The following is an entry in ClinVar:

NM_002519.3(NPAT):c.3872C>G (p.Ser1291Cys)

Gene: NPAT (nuclear protein, coactivator of histone transcription; minus strand). Cytogenetic location: 11q22.3.
Variant type: single nucleotide variant.
Coding change: c.3872C>G on transcript NM_002519.3 (MANE Select); coding-DNA position 3872, C replaced by G.
Protein change: p.Ser1291Cys; replaces serine 1291 with cysteine.
Molecular consequence: missense variant.
Genome position (GRCh38, 1-based): chr11:108,161,214, G>C on the plus strand (C>G on the coding strand, the complement: NPAT is on the minus strand). VCF-style: chr11-108161214-G-C. GRCh37 (hg19) VCF-style: chr11-108031941-G-C.
Other names: c.3893C>G, p.Ser1298Cys (NM_001321307.1); short protein forms S1298C, S1291C.
Identifiers: ClinVar variation 2094980 (VCV002094980.4), dbSNP rs2077844285, ClinGen allele CA382509865.

ClinVar aggregate classification (germline): Uncertain significance (1 of 4 stars; one submission).

Submission:

Labcorp Genetics (formerly Invitae), Labcorp
Classification: Uncertain significance. Last evaluated: 2023-08-04. Review status: criteria provided, single submitter. Criteria: Invitae Variant Classification Sherloc (09022015). Collection method: clinical testing. Allele origin: germline.
Comment: This variant is not present in population databases (gnomAD no frequency). This sequence change replaces serine, which is neutral and polar, with cysteine, which is neutral and slightly polar, at codon 1291 of the NPAT protein (p.Ser1291Cys). This variant has not been reported in the literature in individuals affected with NPAT-related conditions. In summary, the available evidence is currently insufficient to determine the role of this variant in disease. Therefore, it has been classified as a Variant of Uncertain Significance. Algorithms developed to predict the effect of missense changes on protein structure and function output the following: SIFT: "Not Available"; PolyPhen-2: "Benign"; Align-GVGD: "Not Available". The cysteine amino acid residue is found in multiple mammalian species, which suggests that this missense change does not adversely affect protein function. ClinVar contains an entry for this variant (Variation ID: 2094980).